The following is an entry in ClinVar:

NM_000214.3(JAG1):c.2287G>A (p.Gly763Ser)

Gene: JAG1 (jagged canonical Notch ligand 1; minus strand). Cytogenetic location: 20p12.2.
Variant type: single nucleotide variant.
Coding change: c.2287G>A on transcript NM_000214.3 (MANE Select); coding-DNA position 2287, G replaced by A.
Protein change: p.Gly763Ser; replaces glycine 763 with serine.
Molecular consequence: missense variant.
Genome position (GRCh38, 1-based): chr20:10,644,920, C>T on the plus strand (G>A on the coding strand, the complement: JAG1 is on the minus strand). VCF-style: chr20-10644920-C-T. GRCh37 (hg19) VCF-style: chr20-10625568-C-T.
Other names: short protein forms G763S.
Identifiers: ClinVar variation 954504 (VCV000954504.11), dbSNP rs746939887, ClinGen allele CA9764565.

ClinVar aggregate classification (germline): Conflicting classifications of pathogenicity. Review status: criteria provided, conflicting classifications (1 of 4 stars). 4 submissions from 4 submitters: Uncertain significance (2); Likely benign (2). Last evaluated 2026-02-03.

Conditions:
JAG1-related disorder. Also called: JAG1-related condition; JAG1-related disorders.
Cardiovascular phenotype. Identifiers: MedGen CN230736.
Alagille syndrome due to a JAG1 point mutation. Also called: Alagille Syndrome 1; JAG1-Related Alagille Syndrome; HEPATIC DUCTULAR HYPOPLASIA, SYNDROMATIC. Identifiers: Orphanet 261619, Orphanet 52, MedGen C1956125, MONDO:0016862, OMIM 118450.

Allele frequency attached by ClinVar (database versions not stated): ExAC 0.00001; gnomAD exomes 0.00003 and 0.00004; TOPMed 0.00003; gnomAD 0.00005.
gnomAD v4.1: 74 of 1,614,036 alleles (0.0046%); highest among the groups gnomAD compares: Non-Finnish European, 0.005%; no homozygotes.

Submissions (4):

GeneDx
Classification: Uncertain significance. Last evaluated: 2026-02-03. Review status: criteria provided, single submitter. Criteria: GeneDx Variant Classification Process June 2021. Collection method: clinical testing. Allele origin: germline.
Comment: Has not been previously published as pathogenic or benign in association with JAG1-related Alagille syndrome to our knowledge; In silico analysis supports that this missense variant has a deleterious effect on protein structure/function; This variant is associated with the following publications: (PMID: 34903660, 30367527, 36476812)

Labcorp Genetics (formerly Invitae), Labcorp
Classification: Likely benign for Alagille syndrome due to a JAG1 point mutation. Last evaluated: 2025-10-14. Review status: criteria provided, single submitter. Criteria: Invitae Variant Classification Sherloc (09022015). Collection method: clinical testing. Allele origin: germline.

PreventionGenetics, part of Exact Sciences
Classification: Likely benign for JAG1-related condition. Last evaluated: 2025-09-24. Review status: criteria provided, single submitter. Criteria: ACMG Guidelines, 2015. Collection method: clinical testing. Allele origin: germline.
Comment: This variant is classified as likely benign based on ACMG/AMP sequence variant interpretation guidelines (Richards et al. 2015 PMID: 25741868, with internal and published modifications).

Ambry Genetics
Classification: Uncertain significance for Cardiovascular phenotype. Last evaluated: 2022-10-17. Review status: criteria provided, single submitter. Criteria: Ambry Variant Classification Scheme 2023. Collection method: clinical testing. Allele origin: germline.
Comment: The p.G763S variant (also known as c.2287G>A), located in coding exon 18 of the JAG1 gene, results from a G to A substitution at nucleotide position 2287. The glycine at codon 763 is replaced by serine, an amino acid with similar properties. This amino acid position is conserved. In addition, the in silico prediction for this alteration is inconclusive. Since supporting evidence is limited at this time, the clinical significance of this alteration remains unclear.